The following is an entry in ClinVar:

NM_030777.4(SLC2A10):c.164T>C (p.Leu55Pro)

Gene: SLC2A10 (solute carrier family 2 member 10; plus strand). Cytogenetic location: 20q13.12.
Variant type: single nucleotide variant.
Coding change: c.164T>C on transcript NM_030777.4 (MANE Select); coding-DNA position 164, T replaced by C.
Protein change: p.Leu55Pro; replaces leucine 55 with proline.
Molecular consequence: missense variant.
Genome position (GRCh38, 1-based): chr20:46,725,200, T>C. VCF-style: chr20-46725200-T-C. GRCh37 (hg19) VCF-style: chr20-45353839-T-C.
Other names: short protein forms L55P.
Identifiers: ClinVar variation 492844 (VCV000492844.7), dbSNP rs1555887820, ClinGen allele CA409266476.

ClinVar aggregate classification (germline): Uncertain significance. Review status: criteria provided, single submitter (1 of 4 stars). 2 submissions from 2 submitters: Uncertain significance (1). 1 of the submissions does not count toward it. Last evaluated 2022-06-10.

Conditions:
Ehlers-Danlos syndrome, classic type (cEDS). Identifiers: Orphanet 287, MedGen C4225429, MONDO:0007522.
Arterial tortuosity syndrome (ATORS). Identifiers: Orphanet 3342, MedGen C1859726, MONDO:0008818, OMIM 208050.

Submissions (2):

Labcorp Genetics (formerly Invitae), Labcorp
Classification: Uncertain significance for Arterial tortuosity syndrome. Last evaluated: 2022-06-10. Review status: criteria provided, single submitter. Criteria: Invitae Variant Classification Sherloc (09022015). Collection method: clinical testing. Allele origin: germline.
Comment: In summary, the available evidence is currently insufficient to determine the role of this variant in disease. Therefore, it has been classified as a Variant of Uncertain Significance. Advanced modeling of protein sequence and biophysical properties (such as structural, functional, and spatial information, amino acid conservation, physicochemical variation, residue mobility, and thermodynamic stability) performed at Invitae indicates that this missense variant is expected to disrupt SLC2A10 protein function. ClinVar contains an entry for this variant (Variation ID: 492844). This variant has not been reported in the literature in individuals affected with SLC2A10-related conditions. This variant is not present in population databases (gnomAD no frequency). This sequence change replaces leucine, which is neutral and non-polar, with proline, which is neutral and non-polar, at codon 55 of the SLC2A10 protein (p.Leu55Pro).

Clinical Molecular Genetics Laboratory, Johns Hopkins All Children's Hospital
Classification: Uncertain significance for Ehlers-Danlos syndrome, classic type, 1. Last evaluated: 2017-08-22. Review status: no assertion criteria provided. Collection method: clinical testing. Allele origin: germline. Affected: yes. Not counted in ClinVar's aggregate classification.